The following is an entry in ClinVar:

NM_000297.4(PKD2):c.2429A>G (p.Asp810Gly)

Gene: PKD2 (polycystin 2, transient receptor potential cation channel; plus strand). Cytogenetic location: 4q22.1.
Variant type: single nucleotide variant.
Coding change: c.2429A>G on transcript NM_000297.4 (MANE Select); coding-DNA position 2429, A replaced by G.
Protein change: p.Asp810Gly; replaces aspartic acid 810 with glycine.
Molecular consequence: missense variant. On other transcripts: non-coding transcript variant (1).
Genome position (GRCh38, 1-based): chr4:88,067,968, A>G. VCF-style: chr4-88067968-A-G. GRCh37 (hg19) VCF-style: chr4-88989120-A-G.
Other names: short protein forms D810G.
Identifiers: ClinVar variation 3646056 (VCV003646056.2).

ClinVar aggregate classification (germline): Uncertain significance (1 of 4 stars; one submission).

Conditions:
Autosomal dominant polycystic kidney disease. Identifiers: Orphanet 730, MedGen C0085413, MONDO:0004691.

Submission:

Labcorp Genetics (formerly Invitae), Labcorp
Classification: Uncertain significance for Autosomal dominant polycystic kidney disease. Last evaluated: 2024-03-15. Review status: criteria provided, single submitter. Criteria: Invitae Variant Classification Sherloc (09022015). Collection method: clinical testing. Allele origin: germline.
Comment: This sequence change replaces aspartic acid, which is acidic and polar, with glycine, which is neutral and non-polar, at codon 810 of the PKD2 protein (p.Asp810Gly). This variant is not present in population databases (gnomAD no frequency). This variant has not been reported in the literature in individuals affected with PKD2-related conditions. An algorithm developed to predict the effect of missense changes on protein structure and function (PolyPhen-2) suggests that this variant is likely to be disruptive. In summary, the available evidence is currently insufficient to determine the role of this variant in disease. Therefore, it has been classified as a Variant of Uncertain Significance.